The following is an entry in ClinVar:

NM_004329.3(BMPR1A):c.79G>T (p.Asp27Tyr)

Gene: BMPR1A (bone morphogenetic protein receptor type 1A; plus strand). Cytogenetic location: 10q23.2.
Variant type: single nucleotide variant.
Coding change: c.79G>T on transcript NM_004329.3 (MANE Select); coding-DNA position 79, G replaced by T.
Protein change: p.Asp27Tyr; replaces aspartic acid 27 with tyrosine.
Molecular consequence: missense variant.
Genome position (GRCh38, 1-based): chr10:86,890,073, G>T. VCF-style: chr10-86890073-G-T. GRCh37 (hg19) VCF-style: chr10-88649830-G-T.
Other names: short protein forms D27Y.
Identifiers: ClinVar variation 662120 (VCV000662120.15), dbSNP rs1430886611, ClinGen allele CA377446249.

ClinVar aggregate classification (germline): Uncertain significance. Review status: criteria provided, multiple submitters, no conflicts (2 of 4 stars). 4 submissions from 4 submitters: Uncertain significance (4). Last evaluated 2025-04-30.

Conditions:
Hereditary cancer-predisposing syndrome. Also called: Neoplastic Syndromes, Hereditary; Hereditary neoplastic syndrome; Tumor predisposition; Hereditary Cancer Syndrome. Identifiers: Orphanet 140162, MedGen C0027672, MeSH D009386, MONDO:0015356.
Juvenile polyposis syndrome (JPS). Identifiers: Orphanet 2929, MedGen C0345893, MONDO:0017380, OMIM 174900.

Allele frequency attached by ClinVar (database versions not stated): gnomAD exomes below 0.00001.
gnomAD v4.1: 2 of 1,613,016 alleles (0.00012%); highest among the groups gnomAD compares: Non-Finnish European, 0.00017%; no homozygotes.

Submissions (4):

Labcorp Genetics (formerly Invitae), Labcorp
Classification: Uncertain significance for Juvenile polyposis syndrome. Last evaluated: 2025-04-30. Review status: criteria provided, single submitter. Criteria: Invitae Variant Classification Sherloc (09022015). Collection method: clinical testing. Allele origin: germline.
Comment: This sequence change replaces aspartic acid, which is acidic and polar, with tyrosine, which is neutral and polar, at codon 27 of the BMPR1A protein (p.Asp27Tyr). This variant is present in population databases (no rsID available, gnomAD 0.0009%). This variant has not been reported in the literature in individuals affected with BMPR1A-related conditions. ClinVar contains an entry for this variant (Variation ID: 662120). Invitae Evidence Modeling of protein sequence and biophysical properties (such as structural, functional, and spatial information, amino acid conservation, physicochemical variation, residue mobility, and thermodynamic stability) has been performed for this missense variant. However, the output from this modeling did not meet the statistical confidence thresholds required to predict the impact of this variant on BMPR1A protein function. In summary, the available evidence is currently insufficient to determine the role of this variant in disease. Therefore, it has been classified as a Variant of Uncertain Significance.

Color Diagnostics, LLC DBA Color Health
Classification: Uncertain significance for Hereditary cancer-predisposing syndrome. Last evaluated: 2024-02-18. Review status: criteria provided, single submitter. Criteria: ACMG Guidelines, 2015. Collection method: clinical testing. Allele origin: germline.
Comment: This missense variant replaces aspartic acid with tyrosine at codon 27 of the BMPR1A protein. Computational prediction is inconclusive regarding the impact of this variant on protein structure and function (internally defined REVEL score threshold 0.5 < inconclusive < 0.7, PMID: 27666373). To our knowledge, functional studies have not been reported for this variant. This variant has not been reported in individuals affected with BMPR1A-related disorders in the literature. This variant has been identified in 1/251284 chromosomes in the general population by the Genome Aggregation Database (gnomAD). The available evidence is insufficient to determine the role of this variant in disease conclusively. Therefore, this variant is classified as a Variant of Uncertain Significance.

Ambry Genetics
Classification: Uncertain significance for Hereditary cancer-predisposing syndrome. Last evaluated: 2023-09-22. Review status: criteria provided, single submitter. Criteria: Ambry Variant Classification Scheme 2023. Collection method: clinical testing. Allele origin: germline.
Comment: The p.D27Y variant (also known as c.79G>T), located in coding exon 2 of the BMPR1A gene, results from a G to T substitution at nucleotide position 79. The aspartic acid at codon 27 is replaced by tyrosine, an amino acid with highly dissimilar properties. This amino acid position is well conserved in available vertebrate species. In addition, the in silico prediction for this alteration is inconclusive. Since supporting evidence is limited at this time, the clinical significance of this alteration remains unclear.

GeneDx
Classification: Uncertain significance. Last evaluated: 2023-07-05. Review status: criteria provided, single submitter. Criteria: GeneDx Variant Classification Process June 2021. Collection method: clinical testing. Allele origin: germline. Affected: yes.
Comment: Not observed at significant frequency in large population cohorts (gnomAD); In silico analysis supports that this missense variant does not alter protein structure/function; Has not been previously published as pathogenic or benign to our knowledge